The following is an entry in ClinVar:

NM_005982.4(SIX1):c.410G>T (p.Gly137Val)

Gene: SIX1 (SIX homeobox 1; minus strand). Cytogenetic location: 14q23.1.
Variant type: single nucleotide variant.
Coding change: c.410G>T on transcript NM_005982.4 (MANE Select); coding-DNA position 410, G replaced by T.
Protein change: p.Gly137Val; replaces glycine 137 with valine.
Molecular consequence: missense variant.
Genome position (GRCh38, 1-based): chr14:60,648,780, C>A on the plus strand (G>T on the coding strand, the complement: SIX1 is on the minus strand). VCF-style: chr14-60648780-C-A. GRCh37 (hg19) VCF-style: chr14-61115498-C-A.
Other names: c.410G>T, p.Gly137Val (NM_001425142.1); short protein forms G137V.
Identifiers: ClinVar variation 5019012 (VCV005019012.2).

ClinVar aggregate classification (germline): Uncertain significance (1 of 4 stars; one submission).

Conditions:
Branchiootic syndrome 3 (BOS3). Also called: BO SYNDROME 3. Identifiers: MedGen C1842124, MONDO:0012025, OMIM 608389.
Autosomal dominant nonsyndromic hearing loss 23. Identifiers: Orphanet 90635, MedGen C1854594, MONDO:0011519, OMIM 605192.

gnomAD v4.1: 1 of 1,614,104 alleles (0.000062%); highest among the groups gnomAD compares: Non-Finnish European, 0.000085%; no homozygotes.

Submission:

Juno Genomics, Hangzhou Juno Genomics, Inc
Classification: Uncertain significance for Branchiootic syndrome 3; Autosomal dominant nonsyndromic hearing loss 23. Review status: criteria provided, single submitter. Criteria: ACMG Guidelines, 2015. Collection method: clinical testing. Allele origin: germline.
Comment: Absent from controls (or at extremely low frequency if recessive) in Genome Aggregation Database.